The following is an entry in ClinVar:

ClinVar aggregate classification (germline): Uncertain significance (1 of 4 stars; one submission).

Conditions:
Familial sleep-related hypermotor epilepsy. Also called: Autosomal Dominant Sleep-Related Hypermotor (Hyperkinetic) Epilepsy. Identifiers: Orphanet 98784, MedGen C3696898, MONDO:0000030.

Allele frequency attached by ClinVar (database versions not stated): gnomAD exomes 0.00001.
gnomAD v4.1: 3 of 1,568,194 alleles (0.00019%); highest among the groups gnomAD compares: South Asian, 0.0023%; no homozygotes.

Submission:

Labcorp Genetics (formerly Invitae), Labcorp
Classification: Uncertain significance. Last evaluated: 2024-11-11. Review status: criteria provided, single submitter. Criteria: Invitae Variant Classification Sherloc (09022015). Collection method: clinical testing. Allele origin: germline.
Comment: This sequence change replaces arginine, which is basic and polar, with cysteine, which is neutral and slightly polar, at codon 366 of the CHRNB2 protein (p.Arg366Cys). This variant is not present in population databases (gnomAD no frequency). This variant has not been reported in the literature in individuals affected with CHRNB2-related conditions. ClinVar contains an entry for this variant (Variation ID: 2851731). Invitae Evidence Modeling of protein sequence and biophysical properties (such as structural, functional, and spatial information, amino acid conservation, physicochemical variation, residue mobility, and thermodynamic stability) indicates that this missense variant is not expected to disrupt CHRNB2 protein function with a negative predictive value of 80%. In summary, the available evidence is currently insufficient to determine the role of this variant in disease. Therefore, it has been classified as a Variant of Uncertain Significance.

NM_000748.3(CHRNB2):c.1096C>T (p.Arg366Cys)

Gene: CHRNB2 (cholinergic receptor nicotinic beta 2 subunit; plus strand). Cytogenetic location: 1q21.3.
Variant type: single nucleotide variant.
Coding change: c.1096C>T on transcript NM_000748.3 (MANE Select); coding-DNA position 1096, C replaced by T.
Protein change: p.Arg366Cys; replaces arginine 366 with cysteine.
Molecular consequence: missense variant.
Genome position (GRCh38, 1-based): chr1:154,571,919, C>T. VCF-style: chr1-154571919-C-T. GRCh37 (hg19) VCF-style: chr1-154544395-C-T.
Other names: short protein forms R366C.
Identifiers: ClinVar variation 2851731 (VCV002851731.3), dbSNP rs2526371911, ClinGen allele CA342631471.